The following is an entry in ClinVar:

NM_016156.6(MTMR2):c.1220A>G (p.Glu407Gly)

Gene: MTMR2 (myotubularin related protein 2; minus strand). Cytogenetic location: 11q21.
Variant type: single nucleotide variant.
Coding change: c.1220A>G on transcript NM_016156.6 (MANE Select); coding-DNA position 1220, A replaced by G.
Protein change: p.Glu407Gly; replaces glutamic acid 407 with glycine.
Molecular consequence: missense variant.
Genome position (GRCh38, 1-based): chr11:95,845,119, T>C on the plus strand (A>G on the coding strand, the complement: MTMR2 is on the minus strand). VCF-style: chr11-95845119-T-C. GRCh37 (hg19) VCF-style: chr11-95578283-T-C.
Other names: c.1004A>G, p.Glu335Gly (NM_001243571.2, NM_201278.3, NM_201281.3); short protein forms E407G, E335G.
Identifiers: ClinVar variation 963182 (VCV000963182.9), dbSNP rs1863726953, ClinGen allele CA382422430.

ClinVar aggregate classification (germline): Uncertain significance (1 of 4 stars; one submission).

Conditions:
Charcot-Marie-Tooth disease type 4. Also called: Charcot-Marie-Tooth disease, type IV; Charcot-Marie-Tooth, Type 4. Identifiers: Orphanet 64749, MedGen C4082197, MONDO:0018995.

Allele frequency attached by ClinVar (database versions not stated): gnomAD exomes below 0.00001.
gnomAD v4.1: 3 of 1,613,958 alleles (0.00019%); highest among the groups gnomAD compares: Non-Finnish European, 0.00025%; no homozygotes.

Submission:

Labcorp Genetics (formerly Invitae), Labcorp
Classification: Uncertain significance for Charcot-Marie-Tooth disease type 4. Last evaluated: 2019-09-07. Review status: criteria provided, single submitter. Criteria: Invitae Variant Classification Sherloc (09022015). Collection method: clinical testing. Allele origin: germline.
Comment: In summary, the available evidence is currently insufficient to determine the role of this variant in disease. Therefore, it has been classified as a Variant of Uncertain Significance. This sequence change replaces glutamic acid with glycine at codon 407 of the MTMR2 protein (p.Glu407Gly). The glutamic acid residue is highly conserved and there is a moderate physicochemical difference between glutamic acid and glycine. This variant is not present in population databases (ExAC no frequency). This variant has not been reported in the literature in individuals with MTMR2-related conditions. Algorithms developed to predict the effect of missense changes on protein structure and function are either unavailable or do not agree on the potential impact of this missense change (SIFT: "Tolerated"; PolyPhen-2: "Possibly Damaging"; Align-GVGD: "Class C0"). Algorithms developed to predict the effect of sequence changes on RNA splicing suggest that this variant may create or strengthen a splice site, but this prediction has not been confirmed by published transcriptional studies.